The following is an entry in ClinVar:

NM_003283.6(TNNT1):c.817G>A (p.Val273Ile)

Gene: TNNT1 (troponin T1, slow skeletal type; minus strand). Cytogenetic location: 19q13.42.
Variant type: single nucleotide variant.
Coding change: c.817G>A on transcript NM_003283.6 (MANE Select); coding-DNA position 817, G replaced by A.
Protein change: p.Val273Ile; replaces valine 273 with isoleucine.
Molecular consequence: missense variant.
Genome position (GRCh38, 1-based): chr19:55,132,935, C>T on the plus strand (G>A on the coding strand, the complement: TNNT1 is on the minus strand). VCF-style: chr19-55132935-C-T. GRCh37 (hg19) VCF-style: chr19-55644303-C-T.
Other names: c.769G>A, p.Val257Ile (NM_001126132.3); c.736G>A, p.Val246Ile (NM_001126133.3, NM_001291774.2); short protein forms V246I, V257I, V273I.
Identifiers: ClinVar variation 1419069 (VCV001419069.8), dbSNP rs774212109, ClinGen allele CA9667211.

ClinVar aggregate classification (germline): Uncertain significance (1 of 4 stars; one submission).

Conditions:
Nemaline myopathy 5 (NEM5A). Also called: NEMALINE MYOPATHY, AMISH TYPE; NEMALINE MYOPATHY 5A, AUTOSOMAL RECESSIVE, SEVERE INFANTILE; Nemaline myopathy 5, Amish type. Identifiers: Orphanet 98902, MedGen C1854380, MONDO:0011539, OMIM 605355.

Allele frequency attached by ClinVar (database versions not stated): gnomAD 0.00001 and 0.00002; TOPMed 0.00002; ExAC 0.00003.

Submission:

Labcorp Genetics (formerly Invitae), Labcorp
Classification: Uncertain significance for Nemaline myopathy 5. Last evaluated: 2021-12-21. Review status: criteria provided, single submitter. Criteria: Invitae Variant Classification Sherloc (09022015). Collection method: clinical testing. Allele origin: germline.
Comment: In summary, the available evidence is currently insufficient to determine the role of this variant in disease. Therefore, it has been classified as a Variant of Uncertain Significance. Algorithms developed to predict the effect of missense changes on protein structure and function (SIFT, PolyPhen-2, Align-GVGD) all suggest that this variant is likely to be tolerated. This variant has not been reported in the literature in individuals affected with TNNT1-related conditions. The frequency data for this variant in the population databases is considered unreliable, as metrics indicate poor data quality at this position in the gnomAD database. This sequence change replaces valine, which is neutral and non-polar, with isoleucine, which is neutral and non-polar, at codon 273 of the TNNT1 protein (p.Val273Ile).